The following is an entry in ClinVar:

NM_001003800.2(BICD2):c.409T>A (p.Ser137Thr)

Gene: BICD2 (BICD cargo adaptor 2; minus strand). Cytogenetic location: 9q22.31.
Variant type: single nucleotide variant.
Coding change: c.409T>A on transcript NM_001003800.2 (MANE Select); coding-DNA position 409, T replaced by A.
Protein change: p.Ser137Thr; replaces serine 137 with threonine.
Molecular consequence: missense variant.
Genome position (GRCh38, 1-based): chr9:92,729,068, A>T on the plus strand (T>A on the coding strand, the complement: BICD2 is on the minus strand). VCF-style: chr9-92729068-A-T. GRCh37 (hg19) VCF-style: chr9-95491350-A-T.
Other names: c.409T>A, p.Ser137Thr (NM_015250.4); short protein forms S137T.
Identifiers: ClinVar variation 3649640 (VCV003649640.2).

ClinVar aggregate classification (germline): Uncertain significance (1 of 4 stars; one submission).

Conditions:
Autosomal dominant childhood-onset proximal spinal muscular atrophy with contractures (SMALED2A). Also called: SPINAL MUSCULAR ATROPHY, LOWER EXTREMITY-PREDOMINANT, 2A, CHILDHOOD ONSET, AUTOSOMAL DOMINANT; Spinal muscular atrophy, lower extremity-predominant, 2A, autosomal dominant. Identifiers: Orphanet 363447, Orphanet 363454, MedGen C4747715, MONDO:0014121, OMIM 615290.

Submission:

Labcorp Genetics (formerly Invitae), Labcorp
Classification: Uncertain significance for Autosomal dominant childhood-onset proximal spinal muscular atrophy with contractures. Last evaluated: 2024-04-11. Review status: criteria provided, single submitter. Criteria: Invitae Variant Classification Sherloc (09022015). Collection method: clinical testing. Allele origin: germline.
Comment: This sequence change replaces serine, which is neutral and polar, with threonine, which is neutral and polar, at codon 137 of the BICD2 protein (p.Ser137Thr). This variant is not present in population databases (gnomAD no frequency). This variant has not been reported in the literature in individuals affected with BICD2-related conditions. Advanced modeling of protein sequence and biophysical properties (such as structural, functional, and spatial information, amino acid conservation, physicochemical variation, residue mobility, and thermodynamic stability) performed at Invitae indicates that this missense variant is not expected to disrupt BICD2 protein function with a negative predictive value of 80%. In summary, the available evidence is currently insufficient to determine the role of this variant in disease. Therefore, it has been classified as a Variant of Uncertain Significance.